The following is an entry in ClinVar:

NM_019098.5(CNGB3):c.968T>G (p.Phe323Cys)

Gene: CNGB3 (cyclic nucleotide gated channel subunit beta 3; minus strand). Cytogenetic location: 8q21.3.
Variant type: single nucleotide variant.
Coding change: c.968T>G on transcript NM_019098.5 (MANE Select); coding-DNA position 968, T replaced by G.
Protein change: p.Phe323Cys; replaces phenylalanine 323 with cysteine.
Molecular consequence: missense variant.
Genome position (GRCh38, 1-based): chr8:86,647,823, A>C on the plus strand (T>G on the coding strand, the complement: CNGB3 is on the minus strand). VCF-style: chr8-86647823-A-C. GRCh37 (hg19) VCF-style: chr8-87660051-A-C.
Other names: short protein forms F323C.
Identifiers: ClinVar variation 845984 (VCV000845984.7), dbSNP rs759770735, ClinGen allele CA4800208.

ClinVar aggregate classification (germline): Uncertain significance. Review status: criteria provided, multiple submitters, no conflicts (2 of 4 stars). 4 submissions from 4 submitters: Uncertain significance (3). 1 of the submissions does not count toward it. Last evaluated 2024-11-21.

Conditions:
Inborn genetic diseases. Identifiers: MedGen C0950123, MeSH D030342.
Achromatopsia. Also called: Rod monochromatism. Identifiers: Orphanet 49382, MedGen C0152200, MONDO:0018852, HP:0011516.

Allele frequency attached by ClinVar (database versions not stated): gnomAD exomes 0.00001 and 0.00005; TOPMed 0.00001; ExAC 0.00004.
gnomAD v4.1: 10 of 1,570,990 alleles (0.00064%); highest among the groups gnomAD compares: East Asian, 0.016%; no homozygotes.

Submissions (4):

Ambry Genetics
Classification: Uncertain significance for Inborn genetic diseases. Last evaluated: 2024-11-21. Review status: criteria provided, single submitter. Criteria: Ambry Variant Classification Scheme 2023. Collection method: clinical testing. Allele origin: germline.

Blueprint Genetics
Classification: Uncertain significance. Last evaluated: 2024-05-31. Review status: criteria provided, single submitter. Criteria: ACMG Guidelines, 2015. Collection method: clinical testing. Allele origin: germline.

Labcorp Genetics (formerly Invitae), Labcorp
Classification: Uncertain significance. Last evaluated: 2024-01-31. Review status: criteria provided, single submitter. Criteria: Invitae Variant Classification Sherloc (09022015). Collection method: clinical testing. Allele origin: germline.
Comment: This sequence change replaces phenylalanine, which is neutral and non-polar, with cysteine, which is neutral and slightly polar, at codon 323 of the CNGB3 protein (p.Phe323Cys). This variant is present in population databases (rs759770735, gnomAD 0.06%). This variant has not been reported in the literature in individuals affected with CNGB3-related conditions. ClinVar contains an entry for this variant (Variation ID: 845984). Advanced modeling of protein sequence and biophysical properties (such as structural, functional, and spatial information, amino acid conservation, physicochemical variation, residue mobility, and thermodynamic stability) performed at Invitae indicates that this missense variant is expected to disrupt CNGB3 protein function with a positive predictive value of 80%. In summary, the available evidence is currently insufficient to determine the role of this variant in disease. Therefore, it has been classified as a Variant of Uncertain Significance.

Natera, Inc.
Classification: Uncertain significance for Achromatopsia. Last evaluated: 2020-09-16. Review status: no assertion criteria provided. Collection method: clinical testing. Allele origin: germline. Not counted in ClinVar's aggregate classification.